The following is an entry in ClinVar:

ClinVar aggregate classification (germline): Uncertain significance (1 of 4 stars; one submission).

Allele frequency attached by ClinVar (database versions not stated): gnomAD exomes below 0.00001; ExAC 0.00001.
gnomAD v4.1: 2 of 1,614,274 alleles (0.00012%); highest among the groups gnomAD compares: Non-Finnish European, 0.00017%; no homozygotes.

Submission:

Labcorp Genetics (formerly Invitae), Labcorp
Classification: Uncertain significance. Last evaluated: 2022-08-05. Review status: criteria provided, single submitter. Criteria: Invitae Variant Classification Sherloc (09022015). Collection method: clinical testing. Allele origin: germline.
Comment: In summary, the available evidence is currently insufficient to determine the role of this variant in disease. Therefore, it has been classified as a Variant of Uncertain Significance. Algorithms developed to predict the effect of missense changes on protein structure and function are either unavailable or do not agree on the potential impact of this missense change (SIFT: "Deleterious"; PolyPhen-2: "Benign"; Align-GVGD: "Class C0"). This variant has not been reported in the literature in individuals affected with TRPM1-related conditions. This variant is present in population databases (rs752121713, gnomAD 0.0009%). This sequence change replaces glutamine, which is neutral and polar, with histidine, which is basic and polar, at codon 1473 of the TRPM1 protein (p.Gln1473His).

NM_001252024.2(TRPM1):c.4485A>T (p.Gln1495His)

Gene: TRPM1 (transient receptor potential cation channel subfamily M member 1; minus strand). Cytogenetic location: 15q13.3.
Variant type: single nucleotide variant.
Coding change: c.4485A>T on transcript NM_001252024.2 (MANE Select); coding-DNA position 4485, A replaced by T.
Protein change: p.Gln1495His; replaces glutamine 1495 with histidine.
Molecular consequence: missense variant.
Genome position (GRCh38, 1-based): chr15:31,002,215, T>A on the plus strand (A>T on the coding strand, the complement: TRPM1 is on the minus strand). VCF-style: chr15-31002215-T-A. GRCh37 (hg19) VCF-style: chr15-31294418-T-A.
Other names: c.4536A>T, p.Gln1512His (NM_001252020.2); c.4419A>T, p.Gln1473His (NM_002420.6); short protein forms Q1495H, Q1473H, Q1512H.
Identifiers: ClinVar variation 2111327 (VCV002111327.4), dbSNP rs752121713, ClinGen allele CA7451633.
Genomic context (GRCh38, chr15:31,002,215, plus strand): 5'-TGCAGCTTCCGACACAATGTAAGGAATATCTGTGCTATGAGAGCGCGTGATCTTTTGAAC[T>A]TGGCATTGCCATTCCGTCGTCAATTGCTGGTCCGTGATTGAACTGTACTCTACATCCTGG-3'
Protein context (NP_001238953.1, residues 1485-1505): DQQLTTEWQC[Gln1495His]VQKITRSHST